The following is an entry in ClinVar:

NM_014714.4(IFT140):c.2844C>T (p.Tyr948=)

Genes: IFT140 (intraflagellar transport 140; minus strand), LOC126862260 (CDK7 strongly-dependent group 2 enhancer GRCh37_chr16:1574508-1575707; plus strand). Cytogenetic location: 16p13.3.
Variant type: single nucleotide variant.
Coding change: c.2844C>T on transcript NM_014714.4 (MANE Select); coding-DNA position 2844, C replaced by T.
Protein change: p.Tyr948=; no amino-acid change (tyrosine 948 retained).
Molecular consequence: synonymous variant.
Genome position (GRCh38, 1-based): chr16:1,525,251, G>A on the plus strand (C>T on the coding strand, the complement: IFT140 is on the minus strand). VCF-style: chr16-1525251-G-A. GRCh37 (hg19) VCF-style: chr16-1575252-G-A.
Other names: c.2844C>T (NM_014714.3).
Identifiers: ClinVar variation 1093700 (VCV001093700.12), dbSNP rs777036003, ClinGen allele CA7813462.
Genomic context (GRCh38, chr16:1,525,251, plus strand): 5'-GATGGAGTGCGGTCCCACCAGCCCTGGTGGGGACACTCACTTATCCTTCATTTTATTCAC[G>A]TAGAGCTCCAGGGACGGCAGGTCCTCCGACAGCATCCTGGGCACCTCGAAGCGGTGCGTG-3'
Protein context (NP_055529.2, residues 938-958): LSEDLPSLEL[Tyr948=]VNKMKDKTLW

ClinVar aggregate classification (germline): Likely benign. Review status: criteria provided, multiple submitters, no conflicts (2 of 4 stars). 4 submissions from 4 submitters: Likely benign (4). Last evaluated 2026-05-24.

Conditions:
IFT140-related disorder. Also called: IFT140-related condition.
Saldino-Mainzer syndrome (SRTD9). Also called: short-rib thoracic dysplasia 9 with or without polydactyly; CONORENAL SYNDROME; Renal dysplasia, retinal pigmentary dystrophy, cerebellar ataxia and skeletal dysplasia; SHORT-RIB THORACIC DYSPLASIA 9 WITHOUT POLYDACTYLY. Identifiers: Orphanet 140969, MedGen C1849437, MONDO:0009964, OMIM 266920.
Retinitis pigmentosa 80 (RP80). Identifiers: MedGen C4540439, MONDO:0054708, OMIM 617781.

Allele frequency attached by ClinVar (database versions not stated): TOPMed 0.00005; ExAC 0.00008; gnomAD 0.00009; gnomAD exomes 0.00009.
gnomAD v4.1: 137 of 1,612,174 alleles (0.0085%); highest among the groups gnomAD compares: East Asian, 0.042%; no homozygotes.

Submissions (4):

PreventionGenetics, part of Exact Sciences
Classification: Likely benign for IFT140-related condition. Last evaluated: 2026-05-24. Review status: criteria provided, single submitter. Criteria: ACMG Guidelines, 2015. Collection method: clinical testing. Allele origin: germline.
Comment: This variant is classified as likely benign based on ACMG/AMP sequence variant interpretation guidelines (Richards et al. 2015 PMID: 25741868, with internal and published modifications).

Labcorp Genetics (formerly Invitae), Labcorp
Classification: Likely benign for Saldino-Mainzer syndrome. Last evaluated: 2026-01-19. Review status: criteria provided, single submitter. Criteria: Invitae Variant Classification Sherloc (09022015). Collection method: clinical testing. Allele origin: germline.

Blueprint Genetics
Classification: Likely benign. Last evaluated: 2024-08-15. Review status: criteria provided, single submitter. Criteria: ACMG Guidelines, 2015. Collection method: clinical testing. Allele origin: germline.

Fulgent Genetics
Classification: Likely benign for Saldino-Mainzer syndrome; Retinitis pigmentosa 80. Last evaluated: 2021-12-16. Review status: criteria provided, single submitter. Criteria: ACMG Guidelines, 2015. Collection method: clinical testing. Allele origin: unknown.